The following is an entry in ClinVar:

NM_004655.4(AXIN2):c.675C>T (p.Leu225=)

Gene: AXIN2 (axin 2; minus strand). Cytogenetic location: 17q24.1.
Variant type: single nucleotide variant.
Coding change: c.675C>T on transcript NM_004655.4 (MANE Select); coding-DNA position 675, C replaced by T.
Protein change: p.Leu225=; no amino-acid change (leucine 225 retained).
Molecular consequence: synonymous variant.
Genome position (GRCh38, 1-based): chr17:65,557,946, G>A on the plus strand (C>T on the coding strand, the complement: AXIN2 is on the minus strand). VCF-style: chr17-65557946-G-A. GRCh37 (hg19) VCF-style: chr17-63554064-G-A.
Other names: c.675C>T, p.Leu225= (NM_001363813.1).
Identifiers: ClinVar variation 1112200 (VCV001112200.12), dbSNP rs2144583247, ClinGen allele CA501691417.

ClinVar aggregate classification (germline): Benign/Likely benign. Review status: criteria provided, multiple submitters, no conflicts (2 of 4 stars). 3 submissions from 3 submitters: Benign (1); Likely benign (2). Last evaluated 2024-06-27.

Conditions:
Oligodontia-cancer predisposition syndrome. Also called: TOOTH AGENESIS-COLORECTAL CANCER SYNDROME. Identifiers: Orphanet 300576, MedGen C1837750, MONDO:0012075, OMIM 608615. Disease mechanism: loss of function.
Hereditary cancer-predisposing syndrome. Also called: Tumor predisposition; Hereditary Cancer Syndrome; Neoplastic Syndromes, Hereditary; Hereditary neoplastic syndrome. Identifiers: Orphanet 140162, MedGen C0027672, MeSH D009386, MONDO:0015356.

Submissions (3):

Myriad Genetics, Inc.
Classification: Benign for Oligodontia-cancer predisposition syndrome. Last evaluated: 2024-06-27. Review status: criteria provided, single submitter. Criteria: Myriad Autosomal Dominant, Autosomal Recessive and X-Linked Classification Criteria (2023). Collection method: clinical testing. Allele origin: unknown.
Comment: This variant is considered benign. This variant is a silent/synonymous amino acid change and it is not expected to impact splicing.

Labcorp Genetics (formerly Invitae), Labcorp
Classification: Likely benign for Oligodontia-cancer predisposition syndrome. Last evaluated: 2023-08-09. Review status: criteria provided, single submitter. Criteria: Invitae Variant Classification Sherloc (09022015). Collection method: clinical testing. Allele origin: germline.

Ambry Genetics
Classification: Likely benign for Hereditary cancer-predisposing syndrome. Last evaluated: 2020-04-12. Review status: criteria provided, single submitter. Criteria: Ambry Variant Classification Scheme 2023. Collection method: clinical testing. Allele origin: germline.